The following is an entry in ClinVar:

NM_000393.5(COL5A2):c.2931+11C>T

Gene: COL5A2 (collagen type V alpha 2 chain; minus strand). Cytogenetic location: 2q32.2.
Variant type: single nucleotide variant.
Coding change: c.2931+11C>T on transcript NM_000393.5 (MANE Select); 11 bases into the intron after coding-DNA position 2931, C replaced by T.
Molecular consequence: intron variant.
Genome position (GRCh38, 1-based): chr2:189,051,309, G>A on the plus strand (C>T on the coding strand, the complement: COL5A2 is on the minus strand). VCF-style: chr2-189051309-G-A. GRCh37 (hg19) VCF-style: chr2-189916035-G-A.
Other names: c.2931+11C>T (NM_000393.4).
Identifiers: ClinVar variation 511776 (VCV000511776.16), dbSNP rs184002749, ClinGen allele CA2022153.
Genomic context (GRCh38, chr2:189,051,309, plus strand): 5'-CTGATCATTATGGGTTTCTATTTGTAAATATCTCAGTTGAAGGTGGTCTGGAACGGATAC[G>A]CCAAACTTACAGGTTGCCCATCTTCTCCTGGGTCCCCTTTGTCTCCTGGGCCACCAGGGG-3'

ClinVar aggregate classification (germline): Benign/Likely benign. Review status: criteria provided, multiple submitters, no conflicts (2 of 4 stars). 4 submissions from 4 submitters: Benign (2); Likely benign (2). Last evaluated 2026-01-11.

Conditions:
Ehlers-Danlos syndrome, classic type, 1 (EDSCL1). Also called: Ehlers-Danlos syndrome, type 1; EHLERS-DANLOS SYNDROME, GRAVIS TYPE; EHLERS-DANLOS SYNDROME, SEVERE CLASSIC TYPE; Ehlers-Danlos Syndrome, Classic Type, COL5A1-Related; EDS I. Identifiers: MedGen C0268335, MONDO:0019567, OMIM 130000.

Allele frequency attached by ClinVar (database versions not stated): gnomAD exomes 0.00007 and 0.00021; ExAC 0.00027; ESP Exome Variant Server 0.00062; TOPMed 0.00070; gnomAD 0.00072 and 0.00073; 1000 Genomes Project 0.00120; 1000 Genomes Project 30x 0.00172.
gnomAD v4.1: 218 of 1,613,846 alleles (0.014%); highest among the groups gnomAD compares: African/African-American, 0.22%; 1 homozygote.

Submissions (4):

Labcorp Genetics (formerly Invitae), Labcorp
Classification: Benign for Ehlers-Danlos syndrome, classic type, 1. Last evaluated: 2026-01-11. Review status: criteria provided, single submitter. Criteria: Invitae Variant Classification Sherloc (09022015). Collection method: clinical testing. Allele origin: germline.

Blueprint Genetics
Classification: Likely benign. Last evaluated: 2024-07-14. Review status: criteria provided, single submitter. Criteria: ACMG Guidelines, 2015. Collection method: clinical testing. Allele origin: germline.

Women's Health and Genetics/Laboratory Corporation of America, LabCorp
Classification: Benign. Last evaluated: 2023-07-21. Review status: criteria provided, single submitter. Criteria: LabCorp Variant Classification Summary - May 2015. Collection method: clinical testing. Allele origin: germline.

GeneDx
Classification: Likely benign. Last evaluated: 2017-08-28. Review status: criteria provided, single submitter. Criteria: GeneDx Variant Classification (06012015). Collection method: clinical testing. Allele origin: germline. Affected: yes.
Comment: This variant is considered likely benign or benign based on one or more of the following criteria: it is a conservative change, it occurs at a poorly conserved position in the protein, it is predicted to be benign by multiple in silico algorithms, and/or has population frequency not consistent with disease.